The following is an entry in ClinVar:

ClinVar aggregate classification (germline): Uncertain significance. Review status: criteria provided, multiple submitters, no conflicts (2 of 4 stars). 2 submissions from 2 submitters: Uncertain significance (2). Last evaluated 2024-08-28.

Conditions:
Primary dilated cardiomyopathy (DCM). Also called: Dilated Cardiomyopathy. Identifiers: Orphanet 217604, MedGen C0007193, MeSH D002311, MONDO:0005021, HP:0001644. Inheritance: Various modes of inheritance.

Allele frequency attached by ClinVar (database versions not stated): TOPMed 0.00001.
gnomAD v4.1: 10 of 1,609,618 alleles (0.00062%); highest among the groups gnomAD compares: Admixed American, 0.0017%; no homozygotes.

Submissions (2):

Blueprint Genetics
Classification: Uncertain significance. Last evaluated: 2024-08-28. Review status: criteria provided, single submitter. Criteria: ACMG Guidelines, 2015. Collection method: clinical testing. Allele origin: germline.

Labcorp Genetics (formerly Invitae), Labcorp
Classification: Uncertain significance for Primary dilated cardiomyopathy. Last evaluated: 2021-07-04. Review status: criteria provided, single submitter. Criteria: Invitae Variant Classification Sherloc (09022015). Collection method: clinical testing. Allele origin: germline.
Comment: This variant has not been reported in the literature in individuals affected with TXNRD2-related conditions. In summary, the available evidence is currently insufficient to determine the role of this variant in disease. Therefore, it has been classified as a Variant of Uncertain Significance. Algorithms developed to predict the effect of missense changes on protein structure and function are either unavailable or do not agree on the potential impact of this missense change (SIFT: "Deleterious"; PolyPhen-2: "Benign"; Align-GVGD: "Class C0"). ClinVar contains an entry for this variant (Variation ID: 155852). This variant is not present in population databases (ExAC no frequency). This sequence change replaces arginine with leucine at codon 79 of the TXNRD2 protein (p.Arg79Leu). The arginine residue is weakly conserved and there is a moderate physicochemical difference between arginine and leucine.

NM_006440.5(TXNRD2):c.236G>T (p.Arg79Leu)

Gene: TXNRD2 (thioredoxin reductase 2; minus strand). Cytogenetic location: 22q11.21.
Variant type: single nucleotide variant.
Coding change: c.236G>T on transcript NM_006440.5 (MANE Select); coding-DNA position 236, G replaced by T.
Protein change: p.Arg79Leu; replaces arginine 79 with leucine.
Molecular consequence: missense variant. On other transcripts: 5 prime UTR variant (1), non-coding transcript variant (1).
Genome position (GRCh38, 1-based): chr22:19,918,998, C>A on the plus strand (G>T on the coding strand, the complement: TXNRD2 is on the minus strand). VCF-style: chr22-19918998-C-A. GRCh37 (hg19) VCF-style: chr22-19906521-C-A.
Other names: c.236G>T, p.Arg79Leu (NM_001282512.3); c.233G>T, p.Arg78Leu (NM_001352300.2); c.146G>T, p.Arg49Leu (NM_001352301.2); c.-53G>T (NM_001352302.2); c.140G>T, p.Arg47Leu (NM_001352303.2); short protein forms R79L, R78L, R47L, R49L.
Identifiers: ClinVar variation 155852 (VCV000155852.8), dbSNP rs373979810, ClinGen allele CA345904.